The following is an entry in ClinVar:

ClinVar aggregate classification (germline): Uncertain significance (1 of 4 stars; one submission).

gnomAD v4.1: 20 of 1,612,424 alleles (0.0012%); highest among the groups gnomAD compares: Admixed American, 0.01%; no homozygotes.

Submission:

Labcorp Genetics (formerly Invitae), Labcorp
Classification: Uncertain significance. Last evaluated: 2024-11-14. Review status: criteria provided, single submitter. Criteria: Invitae Variant Classification Sherloc (09022015). Collection method: clinical testing. Allele origin: germline.
Comment: This sequence change replaces alanine, which is neutral and non-polar, with threonine, which is neutral and polar, at codon 108 of the CD81 protein (p.Ala108Thr). This variant is present in population databases (rs764021437, gnomAD 0.01%). This variant has not been reported in the literature in individuals affected with CD81-related conditions. An algorithm developed to predict the effect of missense changes on protein structure and function (PolyPhen-2) suggests that this variant is likely to be disruptive. In summary, the available evidence is currently insufficient to determine the role of this variant in disease. Therefore, it has been classified as a Variant of Uncertain Significance.

NM_004356.4(CD81):c.322G>A (p.Ala108Thr)

Gene: CD81 (CD81 molecule; plus strand). Cytogenetic location: 11p15.5.
Variant type: single nucleotide variant.
Coding change: c.322G>A on transcript NM_004356.4 (MANE Select); coding-DNA position 322, G replaced by A.
Protein change: p.Ala108Thr; replaces alanine 108 with threonine.
Molecular consequence: missense variant.
Genome position (GRCh38, 1-based): chr11:2,395,014, G>A. VCF-style: chr11-2395014-G-A. GRCh37 (hg19) VCF-style: chr11-2416244-G-A.
Other names: c.109G>A, p.Ala37Thr (NM_001297649.2, NM_001425129.1, NM_001425130.1 and 4 more transcripts); c.445G>A, p.Ala149Thr (NM_001425135.1); c.322G>A, p.Ala108Thr (NM_001425137.1); short protein forms A149T, A108T, A37T.
Identifiers: ClinVar variation 3710667 (VCV003710667.2).